The following is an entry in ClinVar:

NM_000135.4(FANCA):c.3068A>G (p.Glu1023Gly)

Gene: FANCA (FA complementation group A; minus strand). Cytogenetic location: 16q24.3.
Variant type: single nucleotide variant.
Coding change: c.3068A>G on transcript NM_000135.4 (MANE Select); coding-DNA position 3068, A replaced by G.
Protein change: p.Glu1023Gly; replaces glutamic acid 1023 with glycine.
Molecular consequence: missense variant.
Genome position (GRCh38, 1-based): chr16:89,749,901, T>C on the plus strand (A>G on the coding strand, the complement: FANCA is on the minus strand). VCF-style: chr16-89749901-T-C. GRCh37 (hg19) VCF-style: chr16-89816309-T-C.
Other names: c.3068A>G, p.Glu1023Gly (NM_001286167.3); short protein forms E1023G.
Identifiers: ClinVar variation 1979252 (VCV001979252.2), dbSNP rs756005374, ClinGen allele CA8251341.

ClinVar aggregate classification (germline): Uncertain significance (1 of 4 stars; one submission).

Conditions:
Fanconi anemia (FA). Also called: Fanconi's anemia. Identifiers: Orphanet 84, MedGen C0015625, MeSH D005199, MONDO:0019391.

Allele frequency attached by ClinVar (database versions not stated): TOPMed 0.00002; ExAC 0.00008.
gnomAD v4.1: 8 of 1,613,976 alleles (0.0005%); highest among the groups gnomAD compares: East Asian, 0.016%; no homozygotes.

Submission:

Labcorp Genetics (formerly Invitae), Labcorp
Classification: Uncertain significance for Fanconi anemia. Last evaluated: 2024-12-22. Review status: criteria provided, single submitter. Criteria: Invitae Variant Classification Sherloc (09022015). Collection method: clinical testing. Allele origin: germline.
Comment: This sequence change replaces glutamic acid, which is acidic and polar, with glycine, which is neutral and non-polar, at codon 1023 of the FANCA protein (p.Glu1023Gly). This variant is present in population databases (rs756005374, gnomAD 0.1%). This variant has not been reported in the literature in individuals affected with FANCA-related conditions. ClinVar contains an entry for this variant (Variation ID: 1979252). Invitae Evidence Modeling of protein sequence and biophysical properties (such as structural, functional, and spatial information, amino acid conservation, physicochemical variation, residue mobility, and thermodynamic stability) has been performed for this missense variant. However, the output from this modeling did not meet the statistical confidence thresholds required to predict the impact of this variant on FANCA protein function. In summary, the available evidence is currently insufficient to determine the role of this variant in disease. Therefore, it has been classified as a Variant of Uncertain Significance.